The following is an entry in ClinVar:

ClinVar aggregate classification (germline): Likely benign. Review status: criteria provided, multiple submitters, no conflicts (2 of 4 stars). 3 submissions from 3 submitters: Likely benign (2). 1 of the submissions does not count toward it. Last evaluated 2025-05-01.

Conditions:
CEP120-related disorder. Also called: CEP120-related condition; CEP120-Related Disorders.
Short-rib thoracic dysplasia 13 with or without polydactyly (SRTD13). Identifiers: Orphanet 474, MedGen C4225378, MONDO:0014577, OMIM 616300.

Allele frequency attached by ClinVar (database versions not stated): ExAC 0.00001; gnomAD 0.00001; TOPMed 0.00002.
gnomAD v4.1: 9 of 1,604,426 alleles (0.00056%); highest among the groups gnomAD compares: East Asian, 0.0022%; no homozygotes.

Submissions (3):

Labcorp Genetics (formerly Invitae), Labcorp
Classification: Likely benign for Short-rib thoracic dysplasia 13 with or without polydactyly. Last evaluated: 2025-05-01. Review status: criteria provided, single submitter. Criteria: Invitae Variant Classification Sherloc (09022015). Collection method: clinical testing. Allele origin: germline.

Blueprint Genetics
Classification: Likely benign. Last evaluated: 2024-10-21. Review status: criteria provided, single submitter. Criteria: ACMG Guidelines, 2015. Collection method: clinical testing. Allele origin: germline.

PreventionGenetics, part of Exact Sciences
Classification: Likely benign for CEP120-related condition. Last evaluated: 2022-06-13. Review status: no assertion criteria provided. Collection method: clinical testing. Allele origin: germline. Not counted in ClinVar's aggregate classification.
Comment: This variant is classified as likely benign based on ACMG/AMP sequence variant interpretation guidelines (Richards et al. 2015 PMID: 25741868, with internal and published modifications).

NM_001375405.1(CEP120):c.2358+8A>C

Gene: CEP120 (centrosomal protein 120; minus strand). Cytogenetic location: 5q23.2.
Variant type: single nucleotide variant.
Coding change: c.2358+8A>C on transcript NM_001375405.1 (MANE Select); 8 bases into the intron after coding-DNA position 2358, A replaced by C.
Molecular consequence: intron variant.
Genome position (GRCh38, 1-based): chr5:123,377,366, T>G on the plus strand (A>C on the coding strand, the complement: CEP120 is on the minus strand). VCF-style: chr5-123377366-T-G. GRCh37 (hg19) VCF-style: chr5-122713060-T-G.
Other names: c.2358+8A>C (NM_153223.3, NM_153223.4, NM_001375407.1); c.2280+8A>C (NM_001166226.2); c.1785+8A>C (NM_001375408.1, NM_001375409.1); c.2223+8A>C (NM_001375406.1).
Identifiers: ClinVar variation 1560026 (VCV001560026.11), dbSNP rs781621962, ClinGen allele CA3386652.
Genomic context (GRCh38, chr5:123,377,366, plus strand): 5'-AACTATTTCTCTTATTACTAGAATGCAAATAAACTAAGCATAAAAAGATGACAAGTACGT[T>G]ATCCAACCTGTTGCTGAAGGCGGTGTTTATCCTCTTCGAGCTGTTTGATTTTTAACCTTT-3'